The following is an entry in ClinVar:

ClinVar aggregate classification (germline): Uncertain significance (1 of 4 stars; one submission).

Submission:

Labcorp Genetics (formerly Invitae), Labcorp
Classification: Uncertain significance. Last evaluated: 2026-01-08. Review status: criteria provided, single submitter. Criteria: Invitae Variant Classification Sherloc (09022015). Collection method: clinical testing. Allele origin: germline.
Comment: This variant, c.273_275del, results in the deletion of 1 amino acid(s) of the DLX6 protein (p.His91del), but otherwise preserves the integrity of the reading frame. The frequency data for this variant in the population databases is considered unreliable, as metrics indicate poor data quality at this position in the gnomAD database. This variant has not been reported in the literature in individuals affected with DLX6-related conditions. ClinVar contains an entry for this variant (Variation ID: 1423864). Experimental studies and prediction algorithms are not available or were not evaluated, and the functional significance of this variant is currently unknown. In summary, the available evidence is currently insufficient to determine the role of this variant in disease. Therefore, it has been classified as a Variant of Uncertain Significance.

NM_005222.4(DLX6):c.258CCA[5] (p.His91del)

Genes: DLX6 (distal-less homeobox 6; plus strand), DLX6-AS1 (DLX6 antisense RNA 1; minus strand). Cytogenetic location: 7q21.3.
Variant type: Microsatellite.
Coding change: c.258CCA[5] on transcript NM_005222.4 (MANE Select); five copies in a row of the 3-base unit CCA starting at c.258; the reference has six copies in a row; one copy, 3 bases deleted; also written c.273_275del.
Protein change: p.His91del; deletes histidine 91.
Molecular consequence: inframe deletion.
Genome position (GRCh38, 1-based): chr7:97,006,250-97,006,252, CCA deleted; deleting any 3 consecutive bases within chr7:97,006,233-97,006,252 gives the same sequence; the position shown is the placement nearest the transcript's 3' end. VCF-style (leftmost placement, unchanged base first): chr7-97006232-GCAC-G. GRCh37 (hg19) VCF-style: chr7-96635544-GCAC-G.
Other names: c.273_275del (NM_005222.3); short protein forms H91del.
Identifiers: ClinVar variation 1423864 (VCV001423864.10), dbSNP rs746036175, ClinGen allele CA4353752.